The following is an entry in ClinVar:

ClinVar aggregate classification (germline): Uncertain significance. Review status: criteria provided, multiple submitters, no conflicts (2 of 4 stars). 3 submissions from 3 submitters: Uncertain significance (3). Last evaluated 2025-10-29.

Conditions:
Inborn genetic diseases. Identifiers: MedGen C0950123, MeSH D030342.

Allele frequency attached by ClinVar (database versions not stated): TOPMed 0.00001; gnomAD 0.00002; gnomAD exomes 0.00006; ExAC 0.00012.
gnomAD v4.1: 90 of 1,614,078 alleles (0.0056%); highest among the groups gnomAD compares: South Asian, 0.097%; 2 homozygotes.

Submissions (3):

Ambry Genetics
Classification: Uncertain significance for Inborn genetic diseases. Last evaluated: 2025-10-29. Review status: criteria provided, single submitter. Criteria: Ambry Variant Classification Scheme 2023. Collection method: clinical testing. Allele origin: germline.

Labcorp Genetics (formerly Invitae), Labcorp
Classification: Uncertain significance. Last evaluated: 2025-06-25. Review status: criteria provided, single submitter. Criteria: Invitae Variant Classification Sherloc (09022015). Collection method: clinical testing. Allele origin: germline.
Comment: This sequence change replaces isoleucine, which is neutral and non-polar, with threonine, which is neutral and polar, at codon 154 of the FASTKD2 protein (p.Ile154Thr). This variant is present in population databases (rs763005940, gnomAD 0.1%). This variant has not been reported in the literature in individuals affected with FASTKD2-related conditions. ClinVar contains an entry for this variant (Variation ID: 2575707). Invitae Evidence Modeling of protein sequence and biophysical properties (such as structural, functional, and spatial information, amino acid conservation, physicochemical variation, residue mobility, and thermodynamic stability) indicates that this missense variant is not expected to disrupt FASTKD2 protein function with a negative predictive value of 80%. In summary, the available evidence is currently insufficient to determine the role of this variant in disease. Therefore, it has been classified as a Variant of Uncertain Significance.

GeneDx
Classification: Uncertain significance. Last evaluated: 2023-08-04. Review status: criteria provided, single submitter. Criteria: GeneDx Variant Classification Process June 2021. Collection method: clinical testing. Allele origin: germline. Affected: yes.
Comment: Has not been previously published as pathogenic or benign to our knowledge; In silico analysis supports that this missense variant does not alter protein structure/function

NM_001136193.2(FASTKD2):c.461T>C (p.Ile154Thr)

Gene: FASTKD2 (FAST kinase domains 2; plus strand). Cytogenetic location: 2q33.3.
Variant type: single nucleotide variant.
Coding change: c.461T>C on transcript NM_001136193.2 (MANE Select); coding-DNA position 461, T replaced by C.
Protein change: p.Ile154Thr; replaces isoleucine 154 with threonine.
Molecular consequence: missense variant.
Genome position (GRCh38, 1-based): chr2:206,767,154, T>C. VCF-style: chr2-206767154-T-C. GRCh37 (hg19) VCF-style: chr2-207631878-T-C.
Other names: c.461T>C, p.Ile154Thr (NM_001136194.2, NM_014929.4); short protein forms I154T.
Identifiers: ClinVar variation 2575707 (VCV002575707.3), dbSNP rs763005940, ClinGen allele CA2074885.